The following is an entry in ClinVar:

NM_172107.4(KCNQ2):c.363_372del (p.Ser121fs)

Gene: KCNQ2 (potassium voltage-gated channel subfamily Q member 2; minus strand). Cytogenetic location: 20q13.33.
Variant type: Deletion.
Coding change: c.363_372del on transcript NM_172107.4 (MANE Select); coding-DNA positions 363 to 372, 10 bases deleted (CTCGGAGGGG; older notation c.363_372delCTCGGAGGGG).
Protein change: p.Ser121fs; shifts the reading frame from serine 121.
Molecular consequence: frameshift variant.
Genome position (GRCh38, 1-based): chr20:63,446,762-63,446,771, CCCCTCCGAG deleted on the plus strand (CTCGGAGGGG on the coding strand, the reverse complement: KCNQ2 is on the minus strand); deleting any 10 consecutive bases within chr20:63,446,762-63,446,772 gives the same sequence; the c. name uses the placement nearest the transcript's 3' end. VCF-style (leftmost placement, unchanged base first): chr20-63446761-CCCCCTCCGAG-C. GRCh37 (hg19) VCF-style: chr20-62078114-CCCCCTCCGAG-C.
Other names: c.363_372del, p.Ser121fs (NM_004518.6, NM_172106.3, NM_172108.5 and 2 more transcripts); short protein forms S121fs.
Identifiers: ClinVar variation 1456810 (VCV001456810.7), dbSNP rs2145789182, ClinGen allele CA2573157311.

ClinVar aggregate classification (germline): Pathogenic (1 of 4 stars; one submission).

Conditions:
Early-infantile DEE. Also called: Early infantile epileptic encephalopathy with suppression bursts; Early infantile epileptic encephalopathy; Ohtahara syndrome. Identifiers: Orphanet 1934, MedGen C0393706, MONDO:0800491.

Submission:

Labcorp Genetics (formerly Invitae), Labcorp
Classification: Pathogenic for Early-infantile DEE. Last evaluated: 2022-10-08. Review status: criteria provided, single submitter. Criteria: Invitae Variant Classification Sherloc (09022015). Collection method: clinical testing. Allele origin: germline.
Comment: For these reasons, this variant has been classified as Pathogenic. ClinVar contains an entry for this variant (Variation ID: 1456810). This variant has not been reported in the literature in individuals affected with KCNQ2-related conditions. This variant is not present in population databases (gnomAD no frequency). This sequence change creates a premature translational stop signal (p.Ser121Argfs*9) in the KCNQ2 gene. It is expected to result in an absent or disrupted protein product. Loss-of-function variants in KCNQ2 are known to be pathogenic (PMID: 14534157, 23692823, 27779742).

Literature cited by the submitters: PubMed 14534157; PubMed 23692823; PubMed 27779742.